The following is an entry in ClinVar:

NM_017617.5(NOTCH1):c.6228C>T (p.Thr2076=)

Gene: NOTCH1 (notch receptor 1; minus strand). Cytogenetic location: 9q34.3.
Variant type: single nucleotide variant.
Coding change: c.6228C>T on transcript NM_017617.5 (MANE Select); coding-DNA position 6228, C replaced by T.
Protein change: p.Thr2076=; no amino-acid change (threonine 2076 retained).
Molecular consequence: synonymous variant.
Genome position (GRCh38, 1-based): chr9:136,497,511, G>A on the plus strand (C>T on the coding strand, the complement: NOTCH1 is on the minus strand). VCF-style: chr9-136497511-G-A. GRCh37 (hg19) VCF-style: chr9-139391963-G-A.
Other names: c.6228C>T, p.Thr2076= (LRG_1122t1); c.6228C>T (NM_017617.4).
Identifiers: ClinVar variation 264243 (VCV000264243.21), dbSNP rs531156367, ClinGen allele CA5339962.

ClinVar aggregate classification (germline): Benign/Likely benign. Review status: criteria provided, multiple submitters, no conflicts (2 of 4 stars). 7 submissions from 6 submitters: Benign (4); Likely benign (2). 1 of the submissions does not count toward it. Last evaluated 2026-05-08.

Conditions:
NOTCH1-related disorder. Also called: NOTCH1-related condition; NOTCH1-related disorders.
Aortic valve disease 1 (AOVD1). Identifiers: MedGen C3887892, MONDO:0024523, OMIM 109730.
Adams-Oliver syndrome 5 (AOS5). Identifiers: Orphanet 974, MedGen C4014970, MONDO:0014459, OMIM 616028.
Familial thoracic aortic aneurysm and aortic dissection (TAAD). Also called: Thoracic aortic aneurysms and dissections. Identifiers: Orphanet 91387, MedGen C4707243, MONDO:0019625.

Allele frequency attached by ClinVar (database versions not stated): 1000 Genomes Project 30x 0.00016; gnomAD 0.00003 and 0.00002; TOPMed 0.00003; gnomAD exomes 0.00006; 1000 Genomes Project 0.00020.
gnomAD v4.1: 98 of 1,611,116 alleles (0.0061%); highest among the groups gnomAD compares: East Asian, 0.062%; no homozygotes.

Submissions (7):

Women's Health and Genetics/Laboratory Corporation of America, LabCorp
Classification: Benign. Last evaluated: 2026-05-08. Review status: criteria provided, single submitter. Criteria: LabCorp Variant Classification Summary - May 2015. Collection method: clinical testing. Allele origin: germline.

Labcorp Genetics (formerly Invitae), Labcorp
Classification: Benign for Adams-Oliver syndrome 5. Last evaluated: 2025-12-15. Review status: criteria provided, single submitter. Criteria: Invitae Variant Classification Sherloc (09022015). Collection method: clinical testing. Allele origin: germline.

Genome-Nilou Lab
Classification: Benign for Adams-Oliver syndrome 5. Last evaluated: 2022-03-15. Review status: criteria provided, single submitter. Criteria: ACMG Guidelines, 2015. Collection method: clinical testing. Allele origin: germline. Affected: no.

Genome-Nilou Lab
Classification: Benign for Aortic valve disease 1. Last evaluated: 2022-03-15. Review status: criteria provided, single submitter. Criteria: ACMG Guidelines, 2015. Collection method: clinical testing. Allele origin: germline. Affected: no.

GeneDx
Classification: Likely benign. Last evaluated: 2019-02-22. Review status: criteria provided, single submitter. Criteria: GeneDx Variant Classification Process June 2021. Collection method: clinical testing. Allele origin: germline. Affected: yes.

Ambry Genetics
Classification: Likely benign for Familial thoracic aortic aneurysm and aortic dissection. Last evaluated: 2015-08-25. Review status: criteria provided, single submitter. Criteria: Ambry Variant Classification Scheme 2023. Collection method: clinical testing. Allele origin: germline.

PreventionGenetics, part of Exact Sciences
Classification: Likely benign for NOTCH1-related condition. Last evaluated: 2023-10-04. Review status: no assertion criteria provided. Collection method: clinical testing. Allele origin: germline. Not counted in ClinVar's aggregate classification.
Comment: This variant is classified as likely benign based on ACMG/AMP sequence variant interpretation guidelines (Richards et al. 2015 PMID: 25741868, with internal and published modifications).

Literature cited by the submitters: PubMed 24943832 (cited by Women's Health and Genetics/Laboratory Corporation of America, LabCorp); PubMed 16614245 (cited by Women's Health and Genetics/Laboratory Corporation of America, LabCorp); PubMed 21670202 (cited by Women's Health and Genetics/Laboratory Corporation of America, LabCorp); PubMed 22210878 (cited by Women's Health and Genetics/Laboratory Corporation of America, LabCorp); PubMed 19635999 (cited by Women's Health and Genetics/Laboratory Corporation of America, LabCorp); PubMed 26837699 (cited by Women's Health and Genetics/Laboratory Corporation of America, LabCorp); PubMed 23086750 (cited by Women's Health and Genetics/Laboratory Corporation of America, LabCorp); PubMed 19245433 (cited by Women's Health and Genetics/Laboratory Corporation of America, LabCorp); PubMed 22077063 (cited by Women's Health and Genetics/Laboratory Corporation of America, LabCorp); PubMed 15472075 (cited by Women's Health and Genetics/Laboratory Corporation of America, LabCorp); PubMed 23734977 (cited by Women's Health and Genetics/Laboratory Corporation of America, LabCorp); PubMed 22858860 (cited by Women's Health and Genetics/Laboratory Corporation of America, LabCorp).